The following is an entry in ClinVar:

NM_005591.4(MRE11):c.464G>T (p.Arg155Leu)

Gene: MRE11 (MRE11 double strand break repair nuclease; minus strand). Cytogenetic location: 11q21.
Variant type: single nucleotide variant.
Coding change: c.464G>T on transcript NM_005591.4 (MANE Select); coding-DNA position 464, G replaced by T.
Protein change: p.Arg155Leu; replaces arginine 155 with leucine.
Molecular consequence: missense variant.
Genome position (GRCh38, 1-based): chr11:94,478,815, C>A on the plus strand (G>T on the coding strand, the complement: MRE11 is on the minus strand). VCF-style: chr11-94478815-C-A. GRCh37 (hg19) VCF-style: chr11-94211981-C-A.
Other names: c.464G>T, p.Arg155Leu (NM_001330347.2, NM_005590.4); short protein forms R155L.
Identifiers: ClinVar variation 1681626 (VCV001681626.8), dbSNP rs587780141, ClinGen allele CA382377554.

ClinVar aggregate classification (germline): Uncertain significance. Review status: criteria provided, multiple submitters, no conflicts (2 of 4 stars). 2 submissions from 2 submitters: Uncertain significance (2). Last evaluated 2023-10-10.

Conditions:
Ataxia-telangiectasia-like disorder (ATLD). Identifiers: MedGen C1858391, MONDO:0011457.
Hereditary cancer-predisposing syndrome. Also called: Hereditary neoplastic syndrome; Neoplastic Syndromes, Hereditary; Tumor predisposition; Hereditary Cancer Syndrome. Identifiers: Orphanet 140162, MedGen C0027672, MeSH D009386, MONDO:0015356.

Submissions (2):

Labcorp Genetics (formerly Invitae), Labcorp
Classification: Uncertain significance for Ataxia-telangiectasia-like disorder. Last evaluated: 2023-10-10. Review status: criteria provided, single submitter. Criteria: Invitae Variant Classification Sherloc (09022015). Collection method: clinical testing. Allele origin: germline.
Comment: This sequence change replaces arginine, which is basic and polar, with leucine, which is neutral and non-polar, at codon 155 of the MRE11 protein (p.Arg155Leu). This variant is not present in population databases (gnomAD no frequency). This variant has not been reported in the literature in individuals affected with MRE11-related conditions. ClinVar contains an entry for this variant (Variation ID: 1681626). An algorithm developed to predict the effect of missense changes on protein structure and function (PolyPhen-2) suggests that this variant is likely to be disruptive. In summary, the available evidence is currently insufficient to determine the role of this variant in disease. Therefore, it has been classified as a Variant of Uncertain Significance.

Ambry Genetics
Classification: Uncertain significance for Hereditary cancer-predisposing syndrome. Last evaluated: 2023-09-16. Review status: criteria provided, single submitter. Criteria: Ambry Variant Classification Scheme 2023. Collection method: clinical testing. Allele origin: germline.
Comment: The p.R155L variant (also known as c.464G>T), located in coding exon 5 of the MRE11A gene, results from a G to T substitution at nucleotide position 464. The arginine at codon 155 is replaced by leucine, an amino acid with dissimilar properties. This amino acid position is conserved. In addition, the in silico prediction for this alteration is inconclusive. Since supporting evidence is limited at this time, the clinical significance of this alteration remains unclear.